The following is an entry in ClinVar:

NM_001267550.2(TTN):c.85327G>A (p.Val28443Ile)

Genes: TTN (titin; minus strand), TTN-AS1 (TTN antisense RNA 1; plus strand). Cytogenetic location: 2q31.2.
Variant type: single nucleotide variant.
Coding change: c.85327G>A on transcript NM_001267550.2 (MANE Select); coding-DNA position 85327, G replaced by A.
Protein change: p.Val28443Ile; replaces valine 28443 with isoleucine.
Molecular consequence: missense variant.
Genome position (GRCh38, 1-based): chr2:178,560,805, C>T on the plus strand (G>A on the coding strand, the complement: TTN is on the minus strand). VCF-style: chr2-178560805-C-T. GRCh37 (hg19) VCF-style: chr2-179425532-C-T.
Other names: c.80404G>A, p.Val26802Ile (NM_001256850.1); c.58132G>A, p.Val19378Ile (NM_003319.4); c.77623G>A, p.Val25875Ile (NM_133378.4); c.58507G>A, p.Val19503Ile (NM_133432.3); c.58708G>A, p.Val19570Ile (NM_133437.4); short protein forms V19378I, V25875I, V28443I, V19503I, V19570I, V26802I.
Identifiers: ClinVar variation 3585066 (VCV003585066.11), dbSNP rs762332684.
Genomic context (GRCh38, chr2:178,560,805, plus strand): 5'-GGCCATTTATTTCAAGTGGTCCTGCTGGTGGACCAGGCTTATCAAGTACTTTGCAATTAA[C>T]GGCCACAGACCGAGTGCCGGCAACATTCTTCAGTGTTAGTACATATTGCCCAGTGTCTCG-3'
Protein context (NP_001254479.2, residues 28433-28453): KNVAGTRSVA[Val28443Ile]NCKVLDKPGP

ClinVar aggregate classification (germline): Conflicting classifications of pathogenicity. Review status: criteria provided, conflicting classifications (1 of 4 stars). 4 submissions from 4 submitters: Uncertain significance (2); Likely benign (2). Last evaluated 2026-09-21.

Conditions:
Hypertrophic cardiomyopathy 9. Also called: Familial hypertrophic cardiomyopathy 9. Identifiers: MedGen C1861065, MONDO:0013412, OMIM 613765.
Tibial muscular dystrophy (TMD). Also called: Udd Distal Myopathy – Tibial Muscular Dystrophy; Tibial muscular dystrophy, tardive; UDD MYOPATHY. Identifiers: Orphanet 609, MedGen C1838244, MONDO:0010870, OMIM 600334.
Autosomal recessive limb-girdle muscular dystrophy type 2J (LGMDR10). Also called: MUSCULAR DYSTROPHY, LIMB-GIRDLE, AUTOSOMAL RECESSIVE 10; Limb-girdle muscular dystrophy, type 2J. Identifiers: Orphanet 140922, MedGen C1837342, MONDO:0012127, OMIM 608807.
Early-onset myopathy with fatal cardiomyopathy (CMYO5). Also called: CONGENITAL MYOPATHY 5 WITH CARDIOMYOPATHY; Salih Myopathy. Identifiers: Orphanet 289377, MedGen C2673677, MONDO:0012714, OMIM 611705. Disease mechanism: loss of function.
Myopathy, myofibrillar, 9, with early respiratory failure (MFM9). Also called: Myopathy, distal, with early respiratory failure, autosomal dominant; Hereditary myopathy with early respiratory failure; EDSTROM MYOPATHY; MYOPATHY, PROXIMAL, WITH EARLY RESPIRATORY MUSCLE INVOLVEMENT. Identifiers: Orphanet 178464, Orphanet 34521, MedGen C1863599, MONDO:0011362, OMIM 603689.
Dilated cardiomyopathy 1G (CMD1G). Identifiers: Orphanet 154, MedGen C1858763, MONDO:0011400, OMIM 604145.
TTN-related disorder. Also called: TTN-related condition; TTN-related disease; TTN-related disorders.

gnomAD v4.1: 50 of 1,613,554 alleles (0.0031%); highest among the groups gnomAD compares: Admixed American, 0.0083%; no homozygotes.

Submissions (4):

Molecular Diagnostic Laboratory for Inherited Cardiovascular Disease, Montreal Heart Institute
Classification: Likely benign. Last evaluated: 2026-09-21. Review status: criteria provided, single submitter. Criteria: ACMG Guidelines, 2015. Collection method: clinical testing. Allele origin: germline. Affected: no.

PreventionGenetics, part of Exact Sciences
Classification: Uncertain significance for TTN-related condition. Last evaluated: 2026-06-26. Review status: criteria provided, single submitter. Criteria: ACMG Guidelines, 2015. Collection method: clinical testing. Allele origin: germline.
Comment: The TTN c.85327G>A variant is predicted to result in the amino acid substitution p.Val28443Ile. To our knowledge, this variant has not been reported in the literature. This variant is reported in 0.014% of alleles in individuals of Latino descent in gnomAD. At this time, the clinical significance of this variant is uncertain due to the absence of conclusive functional and genetic evidence.

CeGaT Center for Human Genetics Tuebingen
Classification: Likely benign. Last evaluated: 2025-06-01. Review status: criteria provided, single submitter. Criteria: CeGaT Center For Human Genetics Tuebingen Variant Classification Criteria Version 2. Collection method: clinical testing. Allele origin: germline. Affected: yes. Observed: 1 variant allele.
Comment: TTN: BP4

Fulgent Genetics
Classification: Uncertain significance for Tibial muscular dystrophy; Myopathy, myofibrillar, 9, with early respiratory failure; Dilated cardiomyopathy 1G; Autosomal recessive limb-girdle muscular dystrophy type 2J; Early-onset myopathy with fatal cardiomyopathy; Hypertrophic cardiomyopathy 9. Last evaluated: 2024-03-06. Review status: criteria provided, single submitter. Criteria: ACMG Guidelines, 2015. Collection method: clinical testing. Allele origin: germline.